The following is an entry in ClinVar:

NM_001146.5(ANGPT1):c.1038+3A>G

Gene: ANGPT1 (angiopoietin 1; minus strand). Cytogenetic location: 8q23.1.
Variant type: single nucleotide variant.
Coding change: c.1038+3A>G on transcript NM_001146.5 (MANE Select); 3 bases into the intron after coding-DNA position 1038, A replaced by G.
Molecular consequence: intron variant.
Genome position (GRCh38, 1-based): chr8:107,293,933, T>C on the plus strand (A>G on the coding strand, the complement: ANGPT1 is on the minus strand). VCF-style: chr8-107293933-T-C. GRCh37 (hg19) VCF-style: chr8-108306161-T-C.
Other names: c.1035+3A>G (NM_001199859.3); c.438+3A>G (NM_001314051.2).
Identifiers: ClinVar variation 1058656 (VCV001058656.7), dbSNP rs763608096, ClinGen allele CA4841210.

ClinVar aggregate classification (germline): Uncertain significance (1 of 4 stars; one submission).

Allele frequency attached by ClinVar (database versions not stated): gnomAD exomes below 0.00001 and 0.00001; TOPMed below 0.00001; ExAC 0.00001.
gnomAD v4.1: 3 of 1,610,106 alleles (0.00019%); highest among the groups gnomAD compares: Admixed American, 0.005%; no homozygotes.

Submission:

Labcorp Genetics (formerly Invitae), Labcorp
Classification: Uncertain significance. Last evaluated: 2022-09-19. Review status: criteria provided, single submitter. Criteria: Invitae Variant Classification Sherloc (09022015). Collection method: clinical testing. Allele origin: germline.
Comment: In summary, the available evidence is currently insufficient to determine the role of this variant in disease. Therefore, it has been classified as a Variant of Uncertain Significance. Variants that disrupt the consensus splice site are a relatively common cause of aberrant splicing (PMID: 17576681, 9536098). Algorithms developed to predict the effect of sequence changes on RNA splicing suggest that this variant is not likely to affect RNA splicing. ClinVar contains an entry for this variant (Variation ID: 1058656). This variant has not been reported in the literature in individuals affected with ANGPT1-related conditions. This variant is present in population databases (rs763608096, gnomAD 0.006%). This sequence change falls in intron 6 of the ANGPT1 gene. It does not directly change the encoded amino acid sequence of the ANGPT1 protein. It affects a nucleotide within the consensus splice site.

Literature cited by the submitters: PubMed 17576681; PubMed 9536098.